The following is an entry in ClinVar:

ClinVar aggregate classification (germline): Likely benign. Review status: criteria provided, multiple submitters, no conflicts (2 of 4 stars). 6 submissions from 6 submitters: Likely benign (6). Last evaluated 2025-09-25.

Conditions:
Cardiovascular phenotype. Identifiers: MedGen CN230736.
Cardiac arrhythmia. Also called: Cardiac rhythm disease; Arrhythmia. Identifiers: MedGen C0003811, MONDO:0007263, HP:0011675.
Long QT syndrome (LQTS). Identifiers: MedGen C0023976, MeSH D008133, MONDO:0002442. Disease mechanism: loss of function. Inheritance: Various modes of inheritance.

Allele frequency attached by ClinVar (database versions not stated): gnomAD exomes 0.00003; ExAC 0.00005; ESP Exome Variant Server 0.00023; TOPMed 0.00005; gnomAD 0.00006.
gnomAD v4.1: 15 of 1,614,030 alleles (0.00093%); highest among the groups gnomAD compares: African/African-American, 0.015%; no homozygotes.

Submissions (6):

Labcorp Genetics (formerly Invitae), Labcorp
Classification: Likely benign for Long QT syndrome. Last evaluated: 2025-09-25. Review status: criteria provided, single submitter. Criteria: Invitae Variant Classification Sherloc (09022015). Collection method: clinical testing. Allele origin: germline.

All of Us Research Program, National Institutes of Health
Classification: Likely benign for Long QT syndrome. Last evaluated: 2024-02-05. Review status: criteria provided, single submitter. Criteria: ACMG Guidelines, 2015. Collection method: clinical testing. Allele origin: germline. Inheritance: Autosomal dominant inheritance. Observed: 2 variant alleles, 2 heterozygotes.
Comment: This study involves interpretation of variants in research participants for the purpose of population health screening. Participant phenotype was not available at the time of variant classification. Additional details can be found in publication PMID: 35346344, PMCID: PMC8962531

Women's Health and Genetics/Laboratory Corporation of America, LabCorp
Classification: Likely benign. Last evaluated: 2023-07-29. Review status: criteria provided, single submitter. Criteria: LabCorp Variant Classification Summary - May 2015. Collection method: clinical testing. Allele origin: germline.

Ambry Genetics
Classification: Likely benign for Cardiovascular phenotype. Last evaluated: 2021-09-22. Review status: criteria provided, single submitter. Criteria: Ambry Variant Classification Scheme 2023. Collection method: clinical testing. Allele origin: germline.

Color Diagnostics, LLC DBA Color Health
Classification: Likely benign for Arrhythmia. Last evaluated: 2018-11-30. Review status: criteria provided, single submitter. Criteria: ACMG Guidelines, 2015. Collection method: clinical testing. Allele origin: germline.

Breakthrough Genomics
Classification: Likely benign. Review status: criteria provided, single submitter. Criteria: ACMG Guidelines, 2015. Collection method: not provided. Allele origin: germline. Inheritance: Autosomal dominant inheritance. Affected: yes.

NM_000238.4(KCNH2):c.1839G>A (p.Thr613=)

Gene: KCNH2 (potassium voltage-gated channel subfamily H member 2; minus strand). Cytogenetic location: 7q36.1.
Variant type: single nucleotide variant.
Coding change: c.1839G>A on transcript NM_000238.4 (MANE Select); coding-DNA position 1839, G replaced by A.
Protein change: p.Thr613=; no amino-acid change (threonine 613 retained).
Molecular consequence: synonymous variant. On other transcripts: non-coding transcript variant (2).
Genome position (GRCh38, 1-based): chr7:150,951,554, C>T on the plus strand (G>A on the coding strand, the complement: KCNH2 is on the minus strand). VCF-style: chr7-150951554-C-T. GRCh37 (hg19) VCF-style: chr7-150648642-C-T.
Other names: c.819G>A, p.Thr273= (NM_001204798.2, NM_172057.3); c.1551G>A, p.Thr517= (NM_001406753.1, NM_001406756.1); c.1662G>A, p.Thr554= (NM_001406755.1); c.1539G>A, p.Thr513= (NM_001406757.1); c.1839G>A, p.Thr613= (NM_172056.3).
Identifiers: ClinVar variation 527061 (VCV000527061.20), dbSNP rs146309583, ClinGen allele CA029561.
Genomic context (GRCh38, chr7:150,951,554, plus strand): 5'-GTTGGGAGAGACGTTGCCGAAGCCCACACTGGTGAGGCTGCTGAAGGTGAAGTAGAGCGC[C>T]GTCACATACTTGTCCTTGATGGAGGGGCCGCCCAGGCCGCTGCTGTTGTAGGGTTTGCCT-3'
Protein context (NP_000229.1, residues 603-623): GGPSIKDKYV[Thr613=]ALYFTFSSLT